The following is an entry in ClinVar:

ClinVar aggregate classification (germline): Pathogenic. Review status: criteria provided, multiple submitters, no conflicts (2 of 4 stars). 5 submissions from 5 submitters: Pathogenic (4). 1 of the submissions does not count toward it. Last evaluated 2025-10-01.

Conditions:
DCDC2-related disorders.
Isolated neonatal sclerosing cholangitis (NSC). Also called: Sclerosing cholangitis, neonatal. Identifiers: Orphanet 480556, MedGen C4479344, MONDO:0018816, OMIM 617394.
Autosomal recessive nonsyndromic hearing loss 66 (DFNB66). Also called: Deafness, autosomal recessive 66. Identifiers: Orphanet 90636, MedGen C1857750, MONDO:0012442, OMIM 610212.
DCDC2-related disorder. Also called: DCDC2-related condition.
Nephronophthisis 19 (NPHP19). Identifiers: Orphanet 84081, MedGen C4015542, MONDO:0014537, OMIM 616217.

Allele frequency attached by ClinVar (database versions not stated): gnomAD exomes 0.00001; TOPMed 0.00001.
gnomAD v4.1: 6 of 1,612,882 alleles (0.00037%); highest among the groups gnomAD compares: Non-Finnish European, 0.00051%; no homozygotes.

Submissions (5):

Labcorp Genetics (formerly Invitae), Labcorp
Classification: Pathogenic for Autosomal recessive nonsyndromic hearing loss 66; Isolated neonatal sclerosing cholangitis. Last evaluated: 2025-10-01. Review status: criteria provided, single submitter. Criteria: Invitae Variant Classification Sherloc (09022015). Collection method: clinical testing. Allele origin: germline.
Comment: This sequence change creates a premature translational stop signal (p.Leu297*) in the DCDC2 gene. It is expected to result in an absent or disrupted protein product. Loss-of-function variants in DCDC2 are known to be pathogenic (PMID: 25557784, 27319779, 27469900). This variant is present in population databases (no rsID available, gnomAD 0.002%). This premature translational stop signal has been observed in individual(s) with neonatal sclerosing cholangitis (PMID: 27469900). ClinVar contains an entry for this variant (Variation ID: 417768). For these reasons, this variant has been classified as Pathogenic.

PreventionGenetics, part of Exact Sciences
Classification: Pathogenic for DCDC2-related condition. Last evaluated: 2025-06-10. Review status: criteria provided, single submitter. Criteria: ACMG Guidelines, 2015. Collection method: clinical testing. Allele origin: germline.
Comment: The DCDC2 c.890T>A variant is predicted to result in premature protein termination (p.Leu297*). This variant was reported in the homozygous and compound heterozygous state in three individuals with neonatal sclerosing cholangitis (Grammatikopoulos et al. 2016. PubMed ID: 27469900). This variant is reported in 0.0018% of alleles in individuals of European (Non-Finnish) descent in gnomAD. This variant is interpreted as pathogenic.

Blueprint Genetics
Classification: Pathogenic for DCDC2-related disorders. Last evaluated: 2024-05-28. Review status: criteria provided, single submitter. Criteria: ACMG Guidelines, 2015. Collection method: clinical testing. Allele origin: germline. Affected: yes. Observed: 5 variant alleles.

Fulgent Genetics
Classification: Pathogenic for Autosomal recessive nonsyndromic hearing loss 66; Nephronophthisis 19; Isolated neonatal sclerosing cholangitis. Last evaluated: 2024-05-11. Review status: criteria provided, single submitter. Criteria: ACMG Guidelines, 2015. Collection method: clinical testing. Allele origin: germline.

OMIM
Classification: Pathogenic for SCLEROSING CHOLANGITIS, NEONATAL. Last evaluated: 2017-03-28. Review status: no assertion criteria provided. Collection method: literature only. Allele origin: germline. Not counted in ClinVar's aggregate classification.

Literature cited by the submitters: PubMed 25557784 (cited by Labcorp Genetics (formerly Invitae), Labcorp); PubMed 27319779 (cited by Labcorp Genetics (formerly Invitae), Labcorp); PubMed 27469900 (cited by Labcorp Genetics (formerly Invitae), Labcorp and OMIM).

NM_016356.5(DCDC2):c.890T>A (p.Leu297Ter)

Gene: DCDC2 (doublecortin domain containing 2; minus strand). Cytogenetic location: 6p22.3.
Variant type: single nucleotide variant.
Coding change: c.890T>A on transcript NM_016356.5 (MANE Select); coding-DNA position 890, T replaced by A.
Protein change: p.Leu297Ter; replaces leucine 297 with a stop codon.
Molecular consequence: nonsense.
Genome position (GRCh38, 1-based): chr6:24,278,081, A>T on the plus strand (T>A on the coding strand, the complement: DCDC2 is on the minus strand). VCF-style: chr6-24278081-A-T. GRCh37 (hg19) VCF-style: chr6-24278309-A-T.
Other names: c.890T>A, p.Leu297Ter (NM_001195610.2); c.890T>A (NM_016356.4); short protein forms L297*.
Identifiers: ClinVar variation 417768 (VCV000417768.9), dbSNP rs1050411259, ClinGen allele CA136634449.